The following is an entry in ClinVar:

NM_020778.4(ALPK3):c.371G>C (p.Gly124Ala)

Gene: ALPK3 (alpha kinase 3; plus strand). Cytogenetic location: 15q25.3.
Variant type: single nucleotide variant.
Coding change: c.371G>C on transcript NM_020778.4; coding-DNA position 371, G replaced by C.
Protein change: p.Gly124Ala; replaces glycine 124 with alanine.
Genome position (GRCh38, 1-based): chr15:84,817,217, G>C. VCF-style: chr15-84817217-G-C. GRCh37 (hg19) VCF-style: chr15-85360448-G-C.
Other names: short protein forms G124A.
Identifiers: ClinVar variation 3291441 (VCV003291441.1).

ClinVar aggregate classification (germline): Uncertain significance (1 of 4 stars; one submission).

Conditions:
Cardiovascular phenotype. Identifiers: MedGen CN230736.

Submission:

Ambry Genetics
Classification: Uncertain significance for Cardiovascular phenotype. Last evaluated: 2024-04-12. Review status: criteria provided, single submitter. Criteria: Ambry Variant Classification Scheme 2023. Collection method: clinical testing. Allele origin: germline.
Comment: The p.G124A variant (also known as c.371G>C), located in coding exon 1 of the ALPK3 gene, results from a G to C substitution at nucleotide position 371. The glycine at codon 124 is replaced by alanine, an amino acid with similar properties. This amino acid position is conserved. In addition, this alteration is predicted to be tolerated by in silico analysis. Based on the available evidence, the clinical significance of this variant remains unclear.